The following is an entry in ClinVar:

ClinVar aggregate classification (germline): Uncertain significance. Review status: criteria provided, multiple submitters, no conflicts (2 of 4 stars). 2 submissions from 2 submitters: Uncertain significance (2). Last evaluated 2023-08-17.

Allele frequency attached by ClinVar (database versions not stated): TOPMed 0.00002.
gnomAD v4.1: 26 of 1,614,038 alleles (0.0016%); highest among the groups gnomAD compares: Middle Eastern, 0.049%; no homozygotes.

Submissions (2):

Blueprint Genetics
Classification: Uncertain significance. Last evaluated: 2023-08-17. Review status: criteria provided, single submitter. Criteria: ACMG Guidelines, 2015. Collection method: clinical testing. Allele origin: germline.

Labcorp Genetics (formerly Invitae), Labcorp
Classification: Uncertain significance. Last evaluated: 2022-08-03. Review status: criteria provided, single submitter. Criteria: Invitae Variant Classification Sherloc (09022015). Collection method: clinical testing. Allele origin: germline.
Comment: Algorithms developed to predict the effect of missense changes on protein structure and function are either unavailable or do not agree on the potential impact of this missense change (SIFT: "Deleterious"; PolyPhen-2: "Benign"; Align-GVGD: "Class C0"). ClinVar contains an entry for this variant (Variation ID: 937178). This variant has not been reported in the literature in individuals affected with CNGA3-related conditions. This variant is present in population databases (rs767017804, gnomAD 0.002%). This sequence change replaces arginine, which is basic and polar, with glycine, which is neutral and non-polar, at codon 101 of the CNGA3 protein (p.Arg101Gly). In summary, the available evidence is currently insufficient to determine the role of this variant in disease. Therefore, it has been classified as a Variant of Uncertain Significance.

NM_001298.3(CNGA3):c.301C>G (p.Arg101Gly)

Gene: CNGA3 (cyclic nucleotide gated channel subunit alpha 3; plus strand). Cytogenetic location: 2q11.2.
Variant type: single nucleotide variant.
Coding change: c.301C>G on transcript NM_001298.3 (MANE Select); coding-DNA position 301, C replaced by G.
Protein change: p.Arg101Gly; replaces arginine 101 with glycine.
Molecular consequence: missense variant.
Genome position (GRCh38, 1-based): chr2:98,380,260, C>G. VCF-style: chr2-98380260-C-G. GRCh37 (hg19) VCF-style: chr2-98996723-C-G.
Other names: c.301C>G, p.Arg101Gly (NM_001079878.2); short protein forms R101G.
Identifiers: ClinVar variation 937178 (VCV000937178.9), dbSNP rs767017804, ClinGen allele CA1793688.
Genomic context (GRCh38, chr2:98,380,260, plus strand): 5'-CGCAGGTGGGCTGCCAGGCATGTGCACCACCAGGACCAGGGACCGGACTCTTTTCCTGAT[C>G]GTTTCCGTGGAGCCGAGCTTAAGGAGGTGTCCAGCCAAGAAAGCAATGCCCAGGCAAATG-3'
Protein context (NP_001289.1, residues 91-111): QDQGPDSFPD[Arg101Gly]FRGAELKEVS